The following is an entry in ClinVar:

NM_001370658.1(BTD):c.522C>G (p.Phe174Leu)

Gene: BTD (biotinidase; plus strand). Cytogenetic location: 3p25.1.
Variant type: single nucleotide variant.
Coding change: c.522C>G on transcript NM_001370658.1 (MANE Select); coding-DNA position 522, C replaced by G.
Protein change: p.Phe174Leu; replaces phenylalanine 174 with leucine.
Molecular consequence: missense variant. On other transcripts: intron variant (1).
Genome position (GRCh38, 1-based): chr3:15,644,438, C>G. VCF-style: chr3-15644438-C-G. GRCh37 (hg19) VCF-style: chr3-15685945-C-G.
Other names: c.582C>G, p.Phe194Leu (NM_000060.4); c.522C>G, p.Phe174Leu (NM_001281723.4, NM_001281724.3, NM_001281725.3 and 18 more transcripts); c.399+2381C>G (NM_001370753.1); short protein forms F174L.
Identifiers: ClinVar variation 587716 (VCV000587716.14), dbSNP rs750363004, ClinGen allele CA351606482.

ClinVar aggregate classification (germline): Pathogenic/Likely pathogenic. Review status: criteria provided, multiple submitters, no conflicts (2 of 4 stars). 4 submissions from 4 submitters: Pathogenic (1); Likely pathogenic (3). Last evaluated 2026-02-19.

Conditions:
Biotinidase deficiency. Also called: Biotin deficiency; BTD deficiency; Late-onset biotin-responsive multiple carboxylase deficiency. Identifiers: Orphanet 79241, MedGen C0220754, MONDO:0009665, OMIM 253260.

gnomAD v4.1: 2 of 1,614,150 alleles (0.00012%); highest among the groups gnomAD compares: Admixed American, 0.0033%; no homozygotes.

Submissions (4):

Women's Health and Genetics/Laboratory Corporation of America, LabCorp
Classification: Likely pathogenic for Biotinidase deficiency. Last evaluated: 2026-02-19. Review status: criteria provided, single submitter. Criteria: LabCorp Variant Classification Summary - May 2015. Collection method: clinical testing. Allele origin: germline.
Comment: Variant summary: BTD c.522C>G (p.Phe174Leu) results in a non-conservative amino acid change in the encoded protein sequence. Algorithms developed to predict the effect of missense changes on protein structure and function all suggest that this variant is likely to be disruptive. The variant allele was found at a frequency of 8e-06 in 251448 control chromosomes (gnomAD). c.522C>G has been observed in individuals affected with Biotinidase Deficiency (Procter_2016, internal data). These data indicate that the variant may be associated with disease. To our knowledge, no experimental evidence demonstrating an impact on protein function has been reported. The following publication has been ascertained in the context of this evaluation (PMID: 26810761). ClinVar contains an entry for this variant (Variation ID: 587716). Based on the evidence outlined above, the variant was classified as likely pathogenic.

Natera, Inc.
Classification: Likely pathogenic for Biotinidase deficiency. Last evaluated: 2025-10-10. Review status: criteria provided, single submitter. Criteria: Natera Variant Classification Schema (03/2026). Collection method: clinical testing. Allele origin: germline.
Comment: The c.522C>G variant in BTD is a missense variant predicted to cause substitution of phenylalanine to leucine at amino acid 174. This variant is rare in the general population with a frequency below the threshold expected for the associated phenotype(s). This variant has been observed in one or more individuals affected with the associated recessive disease, as either homozygous or compound heterozygous with a second variant (PMID: 26810761). This variant has been identified in one or more affected individual with a phenotype highly consistent with the associated gene (PMID: 26810761). Computational prediction algorithms indicate this variant is likely to affect gene or protein function. Given the available evidence, this variant is classified as Likely Pathogenic.

Labcorp Genetics (formerly Invitae), Labcorp
Classification: Pathogenic for Biotinidase deficiency. Last evaluated: 2024-08-02. Review status: criteria provided, single submitter. Criteria: Invitae Variant Classification Sherloc (09022015). Collection method: clinical testing. Allele origin: germline.
Comment: This sequence change replaces phenylalanine, which is neutral and non-polar, with leucine, which is neutral and non-polar, at codon 194 of the BTD protein (p.Phe194Leu). This variant is present in population databases (no rsID available, gnomAD 0.006%). This missense change has been observed in individual(s) with biotinidase deficiency (PMID: 26810761; Invitae). In at least one individual the data is consistent with being in trans (on the opposite chromosome) from a pathogenic variant. It has also been observed to segregate with disease in related individuals. ClinVar contains an entry for this variant (Variation ID: 587716). Advanced modeling of protein sequence and biophysical properties (such as structural, functional, and spatial information, amino acid conservation, physicochemical variation, residue mobility, and thermodynamic stability) performed at Invitae indicates that this missense variant is expected to disrupt BTD protein function with a positive predictive value of 95%. For these reasons, this variant has been classified as Pathogenic.

Baylor Genetics
Classification: Likely pathogenic for Biotinidase deficiency. Last evaluated: 2023-03-11. Review status: criteria provided, single submitter. Criteria: ACMG Guidelines, 2015. Collection method: clinical testing. Allele origin: unknown.

Literature cited by the submitters: PubMed 26810761 (cited by 3 submitters).